The following is an entry in ClinVar:

ClinVar aggregate classification (germline): Likely pathogenic (1 of 4 stars; one submission).

Conditions:
Nephronophthisis. Also called: Juvenile Nephronophthisis. Identifiers: Orphanet 655, MedGen C0687120, MONDO:0019005, HP:0000090.

Submissions (2):

Labcorp Genetics (formerly Invitae), Labcorp
Classification: Likely pathogenic for Nephronophthisis. Last evaluated: 2024-11-25. Review status: criteria provided, single submitter. Criteria: Invitae Variant Classification Sherloc (09022015). Collection method: clinical testing. Allele origin: germline.
Comment: This sequence change affects an acceptor splice site in intron 4 of the NPHP4 gene. It is expected to disrupt RNA splicing. Variants that disrupt the donor or acceptor splice site typically lead to a loss of protein function (PMID: 16199547), and loss-of-function variants in NPHP4 are known to be pathogenic (PMID: 12205563, 23559409). This variant is not present in population databases (gnomAD no frequency). Disruption of this splice site has been observed in individual(s) with retinitis pigmentosa (PMID: 33946315). Algorithms developed to predict the effect of sequence changes on RNA splicing suggest that this variant may disrupt the consensus splice site. In summary, the currently available evidence indicates that the variant is pathogenic, but additional data are needed to prove that conclusively. Therefore, this variant has been classified as Likely Pathogenic.

Dr. Peter K. Rogan Lab, Western University
No classification provided (evidence only). Condition: Thyroid cancer, nonmedullary, 1. Review status: no classification provided. Collection method: in vitro. Allele origin: not applicable. Functional consequence: retained intron. Not counted in ClinVar's aggregate classification.

Literature cited by the submitters: PubMed 16199547 (cited by Labcorp Genetics (formerly Invitae), Labcorp); PubMed 12205563 (cited by Labcorp Genetics (formerly Invitae), Labcorp); PubMed 23559409 (cited by Labcorp Genetics (formerly Invitae), Labcorp); PubMed 33946315 (cited by Labcorp Genetics (formerly Invitae), Labcorp).

NM_015102.5(NPHP4):c.453-1G>T

Gene: NPHP4 (nephrocystin 4; minus strand). Cytogenetic location: 1p36.31.
Variant type: single nucleotide variant.
Coding change: c.453-1G>T on transcript NM_015102.5 (MANE Select); the canonical splice acceptor site of the intron before coding-DNA position 453, G replaced by T.
Molecular consequence: splice acceptor variant.
Genome position (GRCh38, 1-based): chr1:5,967,364, C>A on the plus strand (G>T on the coding strand, the complement: NPHP4 is on the minus strand). VCF-style: chr1-5967364-C-A. GRCh37 (hg19) VCF-style: chr1-6027424-C-A.
Other names: c.-914-1G>T (NM_001291594.2); c.-777-1G>T (NM_001291593.2).
Identifiers: ClinVar variation 3664931 (VCV003664931.3).